The following is an entry in ClinVar:

NM_005245.4(FAT1):c.6398G>A (p.Gly2133Asp)

Gene: FAT1 (FAT atypical cadherin 1; minus strand). Cytogenetic location: 4q35.2.
Variant type: single nucleotide variant.
Coding change: c.6398G>A on transcript NM_005245.4 (MANE Select); coding-DNA position 6398, G replaced by A.
Protein change: p.Gly2133Asp; replaces glycine 2133 with aspartic acid.
Molecular consequence: missense variant.
Genome position (GRCh38, 1-based): chr4:186,620,188, C>T on the plus strand (G>A on the coding strand, the complement: FAT1 is on the minus strand). VCF-style: chr4-186620188-C-T. GRCh37 (hg19) VCF-style: chr4-187541342-C-T.
Other names: short protein forms G2133D.
Identifiers: ClinVar variation 1999377 (VCV001999377.3), dbSNP rs1342126399, ClinGen allele CA358968824.

ClinVar aggregate classification (germline): Uncertain significance (1 of 4 stars; one submission).

Allele frequency attached by ClinVar (database versions not stated): gnomAD exomes below 0.00001.
gnomAD v4.1: 1 of 1,613,976 alleles (0.000062%); highest among the groups gnomAD compares: Non-Finnish European, 0.000085%; no homozygotes.

Submission:

Labcorp Genetics (formerly Invitae), Labcorp
Classification: Uncertain significance. Last evaluated: 2024-04-10. Review status: criteria provided, single submitter. Criteria: Invitae Variant Classification Sherloc (09022015). Collection method: clinical testing. Allele origin: germline.
Comment: This sequence change replaces glycine, which is neutral and non-polar, with aspartic acid, which is acidic and polar, at codon 2133 of the FAT1 protein (p.Gly2133Asp). This variant is present in population databases (no rsID available, gnomAD 0.0009%). This variant has not been reported in the literature in individuals affected with FAT1-related conditions. ClinVar contains an entry for this variant (Variation ID: 1999377). Advanced modeling of protein sequence and biophysical properties (such as structural, functional, and spatial information, amino acid conservation, physicochemical variation, residue mobility, and thermodynamic stability) performed at Invitae indicates that this missense variant is expected to disrupt FAT1 protein function with a positive predictive value of 80%. In summary, the available evidence is currently insufficient to determine the role of this variant in disease. Therefore, it has been classified as a Variant of Uncertain Significance.